The following is an entry in ClinVar:

ClinVar aggregate classification (germline): Benign/Likely benign. Review status: criteria provided, multiple submitters, no conflicts (2 of 4 stars). 2 submissions from 2 submitters: Benign (1); Likely benign (1). Last evaluated 2026-04-15.

Conditions:
DICER1-related tumor predisposition. Also called: DICER1-related pleuropulmonary blastoma cancer predisposition syndrome; DICER1 syndrome. Identifiers: Orphanet 284343, MedGen C3839822, MONDO:0100216.
Hereditary cancer-predisposing syndrome. Also called: Neoplastic Syndromes, Hereditary; Tumor predisposition; Hereditary neoplastic syndrome; Hereditary Cancer Syndrome. Identifiers: Orphanet 140162, MedGen C0027672, MeSH D009386, MONDO:0015356.

Allele frequency attached by ClinVar (database versions not stated): gnomAD exomes below 0.00001.

Submissions (2):

Myriad Genetics, Inc.
Classification: Benign for DICER1-related tumor predisposition. Last evaluated: 2026-04-15. Review status: criteria provided, single submitter. Criteria: Myriad Autosomal Dominant, Autosomal Recessive and X-Linked Classification Criteria (2023). Collection method: clinical testing. Allele origin: unknown.
Comment: This variant is considered benign. This variant is a silent/synonymous amino acid change and it is not expected to impact splicing.

Ambry Genetics
Classification: Likely benign for Hereditary cancer-predisposing syndrome. Last evaluated: 2021-06-30. Review status: criteria provided, single submitter. Criteria: Ambry Variant Classification Scheme 2023. Collection method: clinical testing. Allele origin: germline.

NM_177438.3(DICER1):c.396T>C (p.Ser132=)

Gene: DICER1 (dicer 1, ribonuclease III; minus strand). Cytogenetic location: 14q32.13.
Variant type: single nucleotide variant.
Coding change: c.396T>C on transcript NM_177438.3 (MANE Select); coding-DNA position 396, T replaced by C.
Protein change: p.Ser132=; no amino-acid change (serine 132 retained).
Molecular consequence: synonymous variant. On other transcripts: 5 prime UTR variant (2), non-coding transcript variant (5), intron variant (6).
Genome position (GRCh38, 1-based): chr14:95,131,551, A>G on the plus strand (T>C on the coding strand, the complement: DICER1 is on the minus strand). VCF-style: chr14-95131551-A-G. GRCh37 (hg19) VCF-style: chr14-95597888-A-G.
Other names: c.396T>C, p.Ser132= (NM_001195573.1, NM_001271282.3, NM_001291628.2 and 15 more transcripts); c.114T>C, p.Ser38= (NM_001395686.1); c.-63T>C (NM_001395691.1); c.-1173T>C (NM_001395697.1); c.33+964T>C (NM_001395690.1, NM_001395687.1, NM_001395689.1 and 3 more transcripts).
Identifiers: ClinVar variation 1736610 (VCV001736610.3), dbSNP rs2543340316, ClinGen allele CA487633990.